The following is an entry in ClinVar:

ClinVar aggregate classification (germline): Pathogenic (1 of 4 stars; one submission).

Conditions:
Combined immunodeficiency due to LRBA deficiency. Also called: Common variable immunodeficiency 8, with autoimmunity. Identifiers: Orphanet 445018, MedGen C3553512, MONDO:0013863, OMIM 614700.

Submission:

Labcorp Genetics (formerly Invitae), Labcorp
Classification: Pathogenic for Combined immunodeficiency due to LRBA deficiency. Last evaluated: 2023-02-09. Review status: criteria provided, single submitter. Criteria: Invitae Variant Classification Sherloc (09022015). Collection method: clinical testing. Allele origin: unknown.
Comment: This variant is a gross deletion of the genomic region encompassing exon(s) 30-34 of the LRBA gene. This deletion is out-of-frame, and is expected to create a premature termination codon and result in an absent or disrupted protein product. Loss-of-function variants in LRBA are known to be pathogenic (PMID: 26206937, 26768763). A similar copy number variant has been observed in individual(s) with clinical features of primary immunodeficiency (PMID: 32531373). For these reasons, this variant has been classified as Pathogenic.

Literature cited by the submitters: PubMed 26206937; PubMed 26768763; PubMed 32531373.

NC_000004.11:g.(?_151719213)_(151749793_?)del

Gene: LRBA (LPS responsive beige-like anchor protein; minus strand). Cytogenetic location: 4q31.3.
Variant type: Deletion.
Identifiers: ClinVar variation 3246677 (VCV003246677.1).